The following is an entry in ClinVar:

NM_153676.4(USH1C):c.2013+5T>C

Gene: USH1C (USH1 protein network component harmonin; minus strand). Cytogenetic location: 11p15.1.
Variant type: single nucleotide variant.
Coding change: c.2013+5T>C on transcript NM_153676.4 (MANE Select); 5 bases into the intron after coding-DNA position 2013, T replaced by C.
Molecular consequence: intron variant.
Genome position (GRCh38, 1-based): chr11:17,509,351, A>G on the plus strand (T>C on the coding strand, the complement: USH1C is on the minus strand). VCF-style: chr11-17509351-A-G. GRCh37 (hg19) VCF-style: chr11-17530898-A-G.
Other names: c.1228-7371T>C (NM_001297764.2); c.1285-7371T>C (NM_005709.4).
Identifiers: ClinVar variation 47987 (VCV000047987.14), dbSNP rs371038786, ClinGen allele CA142317.

ClinVar aggregate classification (germline): Likely benign. Review status: criteria provided, multiple submitters, no conflicts (2 of 4 stars). 3 submissions from 3 submitters: Likely benign (3). Last evaluated 2024-10-16.

Allele frequency attached by ClinVar (database versions not stated): gnomAD 0.00006; gnomAD exomes 0.00006 and 0.00008; TOPMed 0.00006; ESP Exome Variant Server 0.00008; ExAC 0.00010.
gnomAD v4.1: 100 of 1,572,308 alleles (0.0064%); highest among the groups gnomAD compares: South Asian, 0.011%; no homozygotes.

Submissions (3):

Blueprint Genetics
Classification: Likely benign. Last evaluated: 2024-10-16. Review status: criteria provided, single submitter. Criteria: ACMG Guidelines, 2015. Collection method: clinical testing. Allele origin: germline.

Labcorp Genetics (formerly Invitae), Labcorp
Classification: Likely benign. Last evaluated: 2020-05-13. Review status: criteria provided, single submitter. Criteria: Invitae Variant Classification Sherloc (09022015). Collection method: clinical testing. Allele origin: germline.

Laboratory for Molecular Medicine, Mass General Brigham Personalized Medicine
Classification: Likely benign. Last evaluated: 2011-03-02. Review status: criteria provided, single submitter. Criteria: LMM Criteria. Collection method: clinical testing. Allele origin: germline. Observed: 1 variant allele.
Comment: 2013+5T>C in intron 18 of USH1C: This variant is not expected to have clinical s ignificance because it is not predicted to alter the splicing consensus sequence .